The following is an entry in ClinVar:

ClinVar aggregate classification (germline): Uncertain significance (1 of 4 stars; one submission).

Submission:

Women's Health and Genetics/Laboratory Corporation of America, LabCorp
Classification: Uncertain significance. Last evaluated: 2026-04-30. Review status: criteria provided, single submitter. Criteria: LabCorp Variant Classification Summary - May 2015. Collection method: clinical testing. Allele origin: germline.
Comment: Variant summary: HNRNPH1 c.1129G>A (p.Val377Ile) results in a conservative amino acid change in the encoded protein sequence. Algorithms developed to predict the effect of missense changes on protein structure and function are either unavailable or do not agree on the potential impact of this missense change. The variant was absent in 251464 control chromosomes. The available data on variant occurrences in the general population are insufficient to allow any conclusion about variant significance. To our knowledge, no occurrence of c.1129G>A in individuals affected with HNRNPH1-related conditions and no experimental evidence demonstrating its impact on protein function have been reported. No submitters have cited clinical-significance assessments for this variant to ClinVar. Based on the evidence outlined above, the variant was classified as uncertain significance.

NM_001257293.2(HNRNPH1):c.1129G>A (p.Val377Ile)

Genes: HNRNPH1 (heterogeneous nuclear ribonucleoprotein H1; minus strand), LOC128966623 (uncharacterized LOC128966623; plus strand). Cytogenetic location: 5q35.3.
Variant type: single nucleotide variant.
Coding change: c.1129G>A on transcript NM_001257293.2 (MANE Select); coding-DNA position 1129, G replaced by A.
Protein change: p.Val377Ile; replaces valine 377 with isoleucine.
Molecular consequence: missense variant. On other transcripts: intron variant (9).
Genome position (GRCh38, 1-based): chr5:179,616,947, C>T on the plus strand (G>A on the coding strand, the complement: HNRNPH1 is on the minus strand). VCF-style: chr5-179616947-C-T. GRCh37 (hg19) VCF-style: chr5-179043948-C-T.
Other names: c.526G>A, p.Val176Ile (NM_001364254.2, NM_001364255.2, NM_001364251.2 and 4 more transcripts); c.1129G>A, p.Val377Ile (NM_001395176.1, NM_001395181.1, NM_001395182.1 and 16 more transcripts); c.1069G>A, p.Val357Ile (NM_001395177.1, NM_001364246.2, NM_001364247.2); c.1120G>A, p.Val374Ile (NM_001395178.1, NM_001395184.1); c.1108G>A, p.Val370Ile (NM_001395179.1, NM_001395180.1, NM_001364241.2 and 3 more transcripts); c.973G>A, p.Val325Ile (NM_001364250.2); c.1099G>A, p.Val367Ile (NM_001395188.1); c.898G>A, p.Val300Ile (NM_001395190.1); and 6 more; short protein forms V176I, V240I, V271I, V300I, V325I, V357I, V367I, V370I.
Identifiers: ClinVar variation 4848677 (VCV004848677.1).
Genomic context (GRCh38, chr5:179,616,947, plus strand): 5'-TCATTTGGCTACCATAAGCACCACCGCTTGCTCCTGCTGTAGAATTCAAGAAGAGTTCTA[C>T]ATATCTGTGTTCTGAAATGAGAGAAAAGGCATACAAGGTTAGCTTAAAAAAAAGACACTA-3'
Protein context (NP_001244222.1, residues 367-387): ASGGAYEHRY[Val377Ile]ELFLNSTAGA